The following is an entry in ClinVar:

ClinVar aggregate classification (germline): Pathogenic (1 of 4 stars; one submission).

Conditions:
Hereditary cancer-predisposing syndrome. Also called: Hereditary neoplastic syndrome; Neoplastic Syndromes, Hereditary; Tumor predisposition; Hereditary Cancer Syndrome. Identifiers: Orphanet 140162, MedGen C0027672, MeSH D009386, MONDO:0015356.

Submission:

Ambry Genetics
Classification: Pathogenic for Hereditary cancer-predisposing syndrome. Last evaluated: 2025-07-15. Review status: criteria provided, single submitter. Criteria: Ambry Variant Classification Scheme 2023. Collection method: clinical testing. Allele origin: germline.
Comment: The c.2245delA pathogenic mutation, located in coding exon 15 of the CTNNA1 gene, results from a deletion of one nucleotide at nucleotide position 2245, causing a translational frameshift with a predicted alternate stop codon (p.I749Lfs*42). This variant is considered to be rare based on population cohorts in the Genome Aggregation Database (gnomAD). This alteration is expected to result in loss of function by premature protein truncation or nonsense-mediated mRNA decay. As such, this variant is interpreted as a disease-causing mutation.

NM_001903.5(CTNNA1):c.2245del (p.Ile749fs)

Gene: CTNNA1 (catenin alpha 1; plus strand). Cytogenetic location: 5q31.2.
Variant type: Deletion.
Coding change: c.2245del on transcript NM_001903.5 (MANE Select); coding-DNA position 2245, one base deleted (A; older notation c.2245delA).
Protein change: p.Ile749fs; shifts the reading frame from isoleucine 749.
Molecular consequence: frameshift variant.
Genome position (GRCh38, 1-based): chr5:138,930,882, A deleted; the last of 4 consecutive A bases (chr5:138,930,879-138,930,882); deleting any one gives the same sequence. VCF-style (leftmost placement, unchanged base first): chr5-138930878-GA-G. GRCh37 (hg19) VCF-style: chr5-138266567-GA-G.
Other names: c.2245del, p.Ile749fs (NM_001290307.3, NM_001323982.2, NM_001323983.1 and 2 more transcripts); c.1936del, p.Ile646fs (NM_001290309.3); c.1876del, p.Ile626fs (NM_001290310.3); c.1135del, p.Ile379fs (NM_001290312.1, NM_001323987.1, NM_001323988.1 and 17 more transcripts); c.2152del, p.Ile718fs (NM_001323986.2); c.796del, p.Ile266fs (NM_001324006.1, NM_001324007.1, NM_001324008.1 and 2 more transcripts); c.1042del, p.Ile348fs (NM_001324011.1); c.892del, p.Ile298fs (NM_001324012.1, NM_001324013.1); short protein forms I298fs, I626fs, I749fs, I348fs, I266fs, I379fs, I646fs, I718fs.
Identifiers: ClinVar variation 3837166 (VCV003837166.2).
Genomic context (GRCh38, chr5:138,930,878, plus strand): 5'-CCCTCTTCTCAGAGGTAAAGGACCACTCAAAAATACATCGGATGTCATCAGTGCTGCCAA[GA>G]AAATTGCTGAGGCAGGATCCAGGATGGACAAGCTTGGCCGCACCATTGCAGACCATGTAA-3'